The following is an entry in ClinVar:

NM_004260.4(RECQL4):c.533C>T (p.Ser178Phe)

Gene: RECQL4 (RecQ like helicase 4; minus strand). Cytogenetic location: 8q24.3.
Variant type: single nucleotide variant.
Coding change: c.533C>T on transcript NM_004260.4 (MANE Select); coding-DNA position 533, C replaced by T.
Protein change: p.Ser178Phe; replaces serine 178 with phenylalanine.
Molecular consequence: missense variant.
Genome position (GRCh38, 1-based): chr8:144,516,586, G>A on the plus strand (C>T on the coding strand, the complement: RECQL4 is on the minus strand). VCF-style: chr8-144516586-G-A. GRCh37 (hg19) VCF-style: chr8-145741970-G-A.
Other names: short protein forms S178F.
Identifiers: ClinVar variation 963484 (VCV000963484.7), dbSNP rs1203672864, ClinGen allele CA372691116.

ClinVar aggregate classification (germline): Uncertain significance. Review status: criteria provided, multiple submitters, no conflicts (2 of 4 stars). 2 submissions from 2 submitters: Uncertain significance (2). Last evaluated 2025-03-17.

Conditions:
Inborn genetic diseases. Identifiers: MedGen C0950123, MeSH D030342.
Baller-Gerold syndrome (BGS). Also called: CRANIOSYNOSTOSIS WITH RADIAL DEFECTS. Identifiers: Orphanet 1225, MedGen C0265308, MONDO:0009039, OMIM 218600.

Allele frequency attached by ClinVar (database versions not stated): gnomAD exomes below 0.00001.
gnomAD v4.1: 2 of 1,610,046 alleles (0.00012%); highest among the groups gnomAD compares: Admixed American, 0.0017%; no homozygotes.

Submissions (2):

Ambry Genetics
Classification: Uncertain significance for Inborn genetic diseases. Last evaluated: 2025-03-17. Review status: criteria provided, single submitter. Criteria: Ambry Variant Classification Scheme 2023. Collection method: clinical testing. Allele origin: germline.
Comment: The p.S178F variant (also known as c.533C>T), located in coding exon 5 of the RECQL4 gene, results from a C to T substitution at nucleotide position 533. The serine at codon 178 is replaced by phenylalanine, an amino acid with highly dissimilar properties. This amino acid position is conserved. In addition, this alteration is predicted to be tolerated by in silico analysis. Based on the available evidence, the clinical significance of this variant remains unclear.

Labcorp Genetics (formerly Invitae), Labcorp
Classification: Uncertain significance for Baller-Gerold syndrome. Last evaluated: 2022-06-17. Review status: criteria provided, single submitter. Criteria: Invitae Variant Classification Sherloc (09022015). Collection method: clinical testing. Allele origin: germline.
Comment: ClinVar contains an entry for this variant (Variation ID: 963484). In summary, the available evidence is currently insufficient to determine the role of this variant in disease. Therefore, it has been classified as a Variant of Uncertain Significance. This variant has not been reported in the literature in individuals affected with RECQL4-related conditions. This variant is present in population databases (no rsID available, gnomAD 0.003%). This sequence change replaces serine, which is neutral and polar, with phenylalanine, which is neutral and non-polar, at codon 178 of the RECQL4 protein (p.Ser178Phe).